The following is an entry in ClinVar:

ClinVar aggregate classification (germline): Likely pathogenic. Review status: criteria provided, multiple submitters, no conflicts (2 of 4 stars). 2 submissions from 2 submitters: Likely pathogenic (2). Last evaluated 2020-12-06.

Conditions:
Hereditary factor VIII deficiency disease (HEMA). Also called: AUTOSOMAL HEMOPHILIA A; Hemophilia A; HEMOPHILIA, CLASSIC; Hemophilia A, congenital; HEM A; Factor 8 deficiency, congenital. Identifiers: Orphanet 98878, MedGen C0019069, MONDO:0010602, OMIM 306700.

Submissions (2):

Revvity Omics, Revvity
Classification: Likely pathogenic. Last evaluated: 2020-12-06. Review status: criteria provided, single submitter. Criteria: ACMG Guidelines, 2015. Collection method: clinical testing. Allele origin: germline.

ARUP Laboratories, Molecular Genetics and Genomics, ARUP Laboratories
Classification: Likely pathogenic for Hereditary factor VIII deficiency disease. Last evaluated: 2019-02-01. Review status: criteria provided, single submitter. Criteria: ARUP Molecular Germline Variant Investigation Process. Collection method: clinical testing. Allele origin: germline.
Comment: The F8 c.219C>G; p.Phe73Leu variant, to our knowledge, is not reported in the medical literature or gene specific databases. However, two other variants resulting in the same p.Phe73Leu amino acid change (c.217T>C and c.219C>A) have been reported in individuals with moderate to severe hemophilia A and are considered pathogenic or likely pathogenic (Berber 2006, He 2013, Johnsen 2017, Factor VIII database). All forms of the p.Phe73Leu variant are absent from general population databases (Exome Variant Server, Genome Aggregation Database), indicating they are not common polymorphisms. The phenylalanine at codon 73 is moderately conserved, and though computational analyses (SIFT: damaging, PolyPhen-2: benign) predict conflicting effects of this variant on protein structure/function, structural modelling suggests the p.Phe73Leu variant perturbs F8 secondary structure (He 2013). Based on available information, the c.219C>G; p.Phe73Leu variant is considered to be likely pathogenic. References: FVIII Database: Berber E et al. DNA microarray analysis for the detection of mutations in hemophilia A. J Thromb Haemost. 2006 Aug;4(8):1756-62. He Z et al. A strategy for the molecular diagnosis in hemophilia a in Chinese population. Cell Biochem Biophys. 2013 Apr;65(3):463-72. Johnsen JM et al. Novel approach to genetic analysis and results in 3000 hemophilia patients enrolled in the My Life, Our Future initiative. Blood Adv. 2017 May 18;1(13):824-834.

NM_000132.4(F8):c.219C>G (p.Phe73Leu)

Gene: F8 (coagulation factor VIII; minus strand). Cytogenetic location: Xq28.
Variant type: single nucleotide variant.
Coding change: c.219C>G on transcript NM_000132.4 (MANE Select); coding-DNA position 219, C replaced by G.
Protein change: p.Phe73Leu; replaces phenylalanine 73 with leucine.
Molecular consequence: missense variant.
Genome position (GRCh38, 1-based): chrX:154,999,525, G>C on the plus strand (C>G on the coding strand, the complement: F8 is on the minus strand). VCF-style: chrX-154999525-G-C. GRCh37 (hg19) VCF-style: chrX-154227800-G-C.
Other names: short protein forms F73L.
Identifiers: ClinVar variation 811294 (VCV000811294.12), dbSNP rs1603436770, ClinGen allele CA414920245.